The following is an entry in ClinVar:

ClinVar aggregate classification (germline): Uncertain significance. Review status: criteria provided, multiple submitters, no conflicts (2 of 4 stars). 2 submissions from 2 submitters: Uncertain significance (2). Last evaluated 2025-09-26.

Conditions:
Atypical hemolytic-uremic syndrome. Identifiers: Orphanet 2134, MedGen C2931788, MONDO:0016244.

gnomAD v4.1: 2 of 1,614,080 alleles (0.00012%); no homozygotes.

Submissions (2):

Genomenon, Inc
Classification: Uncertain significance for Atypical hemolytic-uremic syndrome. Last evaluated: 2025-09-26. Review status: criteria provided, single submitter. Criteria: Genomenon Sequence Variant Interpretation Standards - Updated. Collection method: curation. Allele origin: germline. Affected: yes.
Comment: CFI p.Tyr514Cys (c.1541A>G) is a missense variant that changes the amino acid at residue 514 from Tyrosine to Cysteine. This variant has been observed in at least one proband affected with atypical hemolytic-uremic syndrome (PMID:35619721). It is absent or not present at a significant frequency in gnomAD. In conclusion, we classify CFI p.Tyr514Cys (c.1541A>G) as a variant of unknown significance.

Labcorp Genetics (formerly Invitae), Labcorp
Classification: Uncertain significance. Last evaluated: 2025-09-23. Review status: criteria provided, single submitter. Criteria: Invitae Variant Classification Sherloc (09022015). Collection method: clinical testing. Allele origin: germline.
Comment: This sequence change replaces tyrosine, which is neutral and polar, with cysteine, which is neutral and slightly polar, at codon 514 of the CFI protein (p.Tyr514Cys). This variant is not present in population databases (gnomAD no frequency). This missense change has been observed in individual(s) with clinical features of atypical hemolytic uremic syndrome (PMID: 35619721). ClinVar contains an entry for this variant (Variation ID: 3613597). Invitae Evidence Modeling of protein sequence and biophysical properties (such as structural, functional, and spatial information, amino acid conservation, physicochemical variation, residue mobility, and thermodynamic stability) indicates that this missense variant is not expected to disrupt CFI protein function with a negative predictive value of 80%. In summary, the available evidence is currently insufficient to determine the role of this variant in disease. Therefore, it has been classified as a Variant of Uncertain Significance.

Literature cited by the submitters: PubMed 35619721 (cited by Genomenon, Inc and Labcorp Genetics (formerly Invitae), Labcorp).

NM_000204.5(CFI):c.1541A>G (p.Tyr514Cys)

Gene: CFI (complement factor I; minus strand). Cytogenetic location: 4q25.
Variant type: single nucleotide variant.
Coding change: c.1541A>G on transcript NM_000204.5 (MANE Select); coding-DNA position 1541, A replaced by G.
Protein change: p.Tyr514Cys; replaces tyrosine 514 with cysteine.
Molecular consequence: missense variant. On other transcripts: non-coding transcript variant (3), intron variant (5).
Genome position (GRCh38, 1-based): chr4:109,741,104, T>C on the plus strand (A>G on the coding strand, the complement: CFI is on the minus strand). VCF-style: chr4-109741104-T-C. GRCh37 (hg19) VCF-style: chr4-110662260-T-C.
Other names: c.1565A>G, p.Tyr522Cys (NM_001318057.2); c.1520A>G, p.Tyr507Cys (NM_001331035.2); c.1484A>G, p.Tyr495Cys (NM_001375283.1); c.932A>G, p.Tyr311Cys (NM_001375284.1); c.1513+1387A>G (NM_001375282.1, NM_001375280.1); c.1534+1387A>G (NM_001375281.1, NM_001375279.1); c.1558+1387A>G (NM_001375278.1); short protein forms Y311C, Y495C, Y507C, Y514C, Y522C.
Identifiers: ClinVar variation 3613597 (VCV003613597.3).